The following is an entry in ClinVar:

ClinVar aggregate classification (germline): Uncertain significance (1 of 4 stars; one submission).

Conditions:
Cardiomyopathy (CMYO). Also called: Cardiomyopathies. Identifiers: Orphanet 167848, MedGen C0878544, MONDO:0004994, HP:0001638. Inheritance: Various modes of inheritance.

Allele frequency attached by ClinVar (database versions not stated): gnomAD exomes below 0.00001; ExAC 0.00001.
gnomAD v4.1: 5 of 1,613,966 alleles (0.00031%); highest among the groups gnomAD compares: Non-Finnish European, 0.00042%; no homozygotes.

Submission:

Color Diagnostics, LLC DBA Color Health
Classification: Uncertain significance for Cardiomyopathy. Last evaluated: 2024-03-06. Review status: criteria provided, single submitter. Criteria: ACMG Guidelines, 2015. Collection method: clinical testing. Allele origin: germline.
Comment: This missense variant replaces proline with leucine at codon 649 of the DSC2 protein. Computational prediction suggests that this variant may not impact protein structure and function (internally defined REVEL score threshold <= 0.5, PMID: 27666373). Splice site prediction tools suggest that this variant may not impact RNA splicing. To our knowledge, functional studies have not been performed for this variant. This variant has not been reported in individuals affected with cardiovascular disorders in the literature. This variant has been identified in 1/250688 chromosomes in the general population by the Genome Aggregation Database (gnomAD). The available evidence is insufficient to determine the role of this variant in disease conclusively. Therefore, this variant is classified as a Variant of Uncertain Significance.

NM_024422.6(DSC2):c.1946C>T (p.Pro649Leu)

Gene: DSC2 (desmocollin 2; minus strand). Cytogenetic location: 18q12.1.
Variant type: single nucleotide variant.
Coding change: c.1946C>T on transcript NM_024422.6 (MANE Select); coding-DNA position 1946, C replaced by T.
Protein change: p.Pro649Leu; replaces proline 649 with leucine.
Molecular consequence: missense variant.
Genome position (GRCh38, 1-based): chr18:31,071,784, G>A on the plus strand (C>T on the coding strand, the complement: DSC2 is on the minus strand). VCF-style: chr18-31071784-G-A. GRCh37 (hg19) VCF-style: chr18-28651750-G-A.
Other names: c.1946C>T, p.Pro649Leu (NM_004949.5); short protein forms P649L.
Identifiers: ClinVar variation 926795 (VCV000926795.4), dbSNP rs765948147, ClinGen allele CA033988.